The following is an entry in ClinVar:

ClinVar aggregate classification (germline): Benign. Review status: criteria provided, multiple submitters, no conflicts (2 of 4 stars). 6 submissions from 6 submitters: Benign (5). 1 of the submissions does not count toward it. Last evaluated 2026-02-04.

Conditions:
SRP72-related disorder. Also called: SRP72-related condition.
Autosomal dominant aplasia and myelodysplasia. Also called: Bone marrow failure syndrome 1. Identifiers: Orphanet 314399, MedGen C3808553, MONDO:0013851, OMIM 614675.

Allele frequency attached by ClinVar (database versions not stated): ESP Exome Variant Server 0.00054; gnomAD 0.00369; TOPMed 0.00896; 1000 Genomes Project 0.01657; 1000 Genomes Project 30x 0.01874.
gnomAD v4.1: 7,728 of 1,613,098 alleles (0.48%); highest among the groups gnomAD compares: Admixed American, 12%; 530 homozygotes.

Submissions (6):

Labcorp Genetics (formerly Invitae), Labcorp
Classification: Benign. Last evaluated: 2026-02-04. Review status: criteria provided, single submitter. Criteria: Invitae Variant Classification Sherloc (09022015). Collection method: clinical testing. Allele origin: germline.

ARUP Laboratories, Molecular Genetics and Genomics, ARUP Laboratories
Classification: Benign for Autosomal dominant aplasia and myelodysplasia. Last evaluated: 2025-06-24. Review status: criteria provided, single submitter. Criteria: ARUP Molecular Germline Variant Investigation Process 2024. Collection method: clinical testing. Allele origin: germline.

GeneDx
Classification: Benign. Last evaluated: 2019-02-28. Review status: criteria provided, single submitter. Criteria: GeneDx Variant Classification Process June 2021. Collection method: clinical testing. Allele origin: germline. Affected: yes.

Illumina Laboratory Services, Illumina
Classification: Benign for Autosomal dominant aplasia and myelodysplasia. Last evaluated: 2018-01-13. Review status: criteria provided, single submitter. Criteria: ICSL Variant Classification Criteria 13 December 2019. Collection method: clinical testing. Allele origin: germline.
Comment: This variant was observed in the ICSL laboratory as part of a predisposition screen in an ostensibly healthy population. It had not been previously curated by ICSL or reported in the Human Gene Mutation Database (HGMD: prior to June 1st, 2018), and was therefore a candidate for classification through an automated scoring system. Utilizing variant allele frequency, disease prevalence and penetrance estimates, and inheritance mode, an automated score was calculated to assess if this variant is too frequent to cause the disease. Based on the score and internal cut-off values, a variant classified as benign is not then subjected to further curation. The score for this variant resulted in a classification of benign for this disease.

Breakthrough Genomics
Classification: Benign. Review status: criteria provided, single submitter. Criteria: ACMG Guidelines, 2015. Collection method: not provided. Allele origin: germline. Inheritance: Autosomal dominant inheritance. Affected: yes.

PreventionGenetics, part of Exact Sciences
Classification: Benign for SRP72-related condition. Last evaluated: 2019-04-17. Review status: no assertion criteria provided. Collection method: clinical testing. Allele origin: germline. Not counted in ClinVar's aggregate classification.
Comment: This variant is classified as benign based on ACMG/AMP sequence variant interpretation guidelines (Richards et al. 2015 PMID: 25741868, with internal and published modifications).

NM_006947.4(SRP72):c.686A>G (p.His229Arg)

Gene: SRP72 (signal recognition particle 72; plus strand). Cytogenetic location: 4q12.
Variant type: single nucleotide variant.
Coding change: c.686A>G on transcript NM_006947.4 (MANE Select); coding-DNA position 686, A replaced by G.
Protein change: p.His229Arg; replaces histidine 229 with arginine.
Molecular consequence: missense variant. On other transcripts: non-coding transcript variant (1), intron variant (1).
Genome position (GRCh38, 1-based): chr4:56,478,422, A>G. VCF-style: chr4-56478422-A-G. GRCh37 (hg19) VCF-style: chr4-57344588-A-G.
Other names: c.642+1720A>G (NM_001267722.2); short protein forms H229R.
Identifiers: ClinVar variation 349122 (VCV000349122.18), dbSNP rs138986942, ClinGen allele CA2931154.
Genomic context (GRCh38, chr4:56,478,422, plus strand): 5'-ACATTTCTTTCTCTTAGGATGGGACTGAGGAAGACCCACAGGCAGAACTGGCCATCATTC[A>G]TGGTCAGATGGCTTATATTCTGCAGCTTCAGGGTCGAACAGAGGAGGCTTTGCAACTTTA-3'
Protein context (NP_008878.3, residues 219-239): EDPQAELAII[His229Arg]GQMAYILQLQ